The following is an entry in ClinVar:

NM_014991.6(WDFY3):c.8375C>T (p.Ser2792Phe)

Gene: WDFY3 (WD repeat and FYVE domain containing 3; minus strand). Cytogenetic location: 4q21.23.
Variant type: single nucleotide variant.
Coding change: c.8375C>T on transcript NM_014991.6 (MANE Select); coding-DNA position 8375, C replaced by T.
Protein change: p.Ser2792Phe; replaces serine 2792 with phenylalanine.
Molecular consequence: missense variant.
Genome position (GRCh38, 1-based): chr4:84,704,405, G>A on the plus strand (C>T on the coding strand, the complement: WDFY3 is on the minus strand). VCF-style: chr4-84704405-G-A. GRCh37 (hg19) VCF-style: chr4-85625558-G-A.
Other names: short protein forms S2792F.
Identifiers: ClinVar variation 5010001 (VCV005010001.1).

ClinVar aggregate classification (germline): Uncertain significance (1 of 4 stars; one submission).

gnomAD v4.1: 1 of 1,613,314 alleles (0.000062%); highest among the groups gnomAD compares: Non-Finnish European, 0.000085%; no homozygotes.

Submission:

GeneDx
Classification: Uncertain significance. Last evaluated: 2026-02-23. Review status: criteria provided, single submitter. Criteria: GeneDx Variant Classification Process June 2021. Collection method: clinical testing. Allele origin: germline.
Comment: Not observed at significant frequency in large population cohorts (gnomAD); In silico analysis supports that this missense variant has a deleterious effect on protein structure/function; Has not been previously published as pathogenic or benign to our knowledge